The following is an entry in ClinVar:

ClinVar aggregate classification (germline): Pathogenic/Likely pathogenic. Review status: criteria provided, multiple submitters, no conflicts (2 of 4 stars). 13 submissions from 13 submitters: Pathogenic (7); Likely pathogenic (6). Last evaluated 2026-01-28.

Conditions:
GALC-related disorders.
Galactosylceramide beta-galactosidase deficiency. Also called: Leukodystrophy, Globoid Cell; Krabbe Disease; GALACTOCEREBROSIDASE DEFICIENCY; GALC DEFICIENCY; GLOBOID CELL LEUKOENCEPHALOPATHY. Identifiers: Orphanet 487, MedGen C0023521, MONDO:0009499, OMIM 245200.

Allele frequency attached by ClinVar (database versions not stated): ExAC 0.00005; 1000 Genomes Project 30x 0.00031; gnomAD 0.00004 and 0.00005; gnomAD exomes 0.00005; TOPMed 0.00005; 1000 Genomes Project 0.00040.
gnomAD v4.1: 64 of 1,610,354 alleles (0.004%); highest among the groups gnomAD compares: East Asian, 0.033%; no homozygotes.

Submissions (13):

Labcorp Genetics (formerly Invitae), Labcorp
Classification: Pathogenic for Galactosylceramide beta-galactosidase deficiency. Last evaluated: 2026-01-28. Review status: criteria provided, single submitter. Criteria: Invitae Variant Classification Sherloc (09022015). Collection method: clinical testing. Allele origin: germline.
Comment: This sequence change replaces arginine, which is basic and polar, with histidine, which is basic and polar, at codon 531 of the GALC protein (p.Arg531His). This variant is present in population databases (rs200378205, gnomAD 0.05%). This missense change has been observed in individuals with Krabbe disease (PMID: 10234611, 16607461, 26795590, 28976722). This variant is also known as p.Arg515His. ClinVar contains an entry for this variant (Variation ID: 167119). Invitae Evidence Modeling of protein sequence and biophysical properties (such as structural, functional, and spatial information, amino acid conservation, physicochemical variation, residue mobility, and thermodynamic stability) indicates that this missense variant is expected to disrupt GALC protein function with a positive predictive value of 95%. Experimental studies have shown that this missense change affects GALC function (PMID: 27126738). For these reasons, this variant has been classified as Pathogenic.

Natera, Inc.
Classification: Likely pathogenic for Galactosylceramide beta-galactosidase deficiency. Last evaluated: 2026-01-22. Review status: criteria provided, single submitter. Criteria: Natera Variant Classification Schema (03/2026). Collection method: clinical testing. Allele origin: germline.
Comment: The c.1592G>A variant in GALC is a missense variant predicted to cause substitution of arginine to histidine at amino acid 531. This variant is rare in the general population with a frequency below the threshold expected for the associated phenotype(s). This variant has been observed in one or more individuals affected with the associated recessive disease, as either homozygous or compound heterozygous with a second variant (PMID: 10234611, 16607461). Functional studies show that this variant may disrupt protein function (PMID: 10234611). A different variant at the same position has been determined to be Pathogenic or Likely Pathogenic. Computational prediction algorithms indicate this variant is likely to affect gene or protein function. Given the available evidence, this variant is classified as Likely Pathogenic.

GeneDx
Classification: Likely pathogenic. Last evaluated: 2024-12-21. Review status: criteria provided, single submitter. Criteria: GeneDx Variant Classification Process June 2021. Collection method: clinical testing. Allele origin: germline. Affected: yes.
Comment: Functional studies found this variant is associated with significantly reduced enzyme activity and impaired localization to the lysosome (PMID: 27126738, 10234611); In silico analysis supports that this missense variant has a deleterious effect on protein structure/function; This variant is associated with the following publications: (PMID: 28552323, 24252386, 16607461, 10234611, 26795590, 28976722, 34426522, 35314707, 34531397, 27126738)

Blueprint Genetics
Classification: Likely pathogenic for GALC-related disorders. Last evaluated: 2024-10-22. Review status: criteria provided, single submitter. Criteria: ACMG Guidelines, 2015. Collection method: clinical testing. Allele origin: germline. Affected: yes. Observed: 5 variant alleles.

Revvity Omics, Revvity
Classification: Pathogenic. Last evaluated: 2024-08-30. Review status: criteria provided, single submitter. Criteria: ACMG Guidelines, 2015. Collection method: clinical testing. Allele origin: germline.

Fulgent Genetics
Classification: Pathogenic for Galactosylceramide beta-galactosidase deficiency. Last evaluated: 2024-04-11. Review status: criteria provided, single submitter. Criteria: ACMG Guidelines, 2015. Collection method: clinical testing. Allele origin: germline.

Baylor Genetics
Classification: Likely pathogenic for Galactosylceramide beta-galactosidase deficiency. Last evaluated: 2023-07-20. Review status: criteria provided, single submitter. Criteria: ACMG Guidelines, 2015. Collection method: clinical testing. Allele origin: unknown.

3billion
Classification: Likely pathogenic for Galactosylceramide beta-galactosidase deficiency. Last evaluated: 2023-02-23. Review status: criteria provided, single submitter. Criteria: ACMG Guidelines, 2015. Collection method: clinical testing. Allele origin: unknown. Affected: yes.
Comment: The variant is observed at an extremely low frequency in the gnomAD v2.1.1 dataset (total allele frequency: 0.005%). Missense variant. In silico tool predictions suggest damaging effect of the variant on gene or gene product (REVEL: 0.91; 3Cnet: 0.61). Same nucleotide change resulting in same amino acid change has been previously reported as pathogenic/likely pathogenic with strong evidence (ClinVar ID: VCV000167119). Different missense changes at the same codon (p.Arg531Cys, p.Arg531Leu) have been reported as pathogenic/likely pathogenic with strong evidence (ClinVar ID: VCV000188997, VCV001345348). Therefore, this variant is classified as Likely pathogenic according to the recommendation of ACMG/AMP guideline.

Myriad Genetics, Inc.
Classification: Likely pathogenic for Galactosylceramide beta-galactosidase deficiency. Last evaluated: 2021-11-01. Review status: criteria provided, single submitter. Criteria: Myriad Women's Health Autosomal Recessive and X-Linked Classification Criteria (2021). Collection method: clinical testing. Allele origin: unknown.
Comment: NM_000153.3(GALC):c.1592G>A(R531H) is a missense variant classified as likely pathogenic in the context of Krabbe disease. R531H has been observed in cases of with relevant disease (PMID: 10234611, 16607461, Zheng_2014_(no PMID; abstract)). Functional assessments of this variant are available in the literature (PMID: 10234611, 27126738). R531H has been observed in population frequency databases (gnomAD: EAS 0.04%). In summary, NM_000153.3(GALC):c.1592G>A(R531H) is a missense variant that has functional support for pathogenicity and has been observed more frequently in cases with the relevant disease than in healthy populations. Please note: this variant was assessed in the context of healthy population screening.

Women's Health and Genetics/Laboratory Corporation of America, LabCorp
Classification: Pathogenic for Galactosylceramide beta-galactosidase deficiency. Last evaluated: 2021-08-24. Review status: criteria provided, single submitter. Criteria: LabCorp Variant Classification Summary - May 2015. Collection method: clinical testing. Allele origin: germline.
Comment: Variant summary: GALC c.1592G>A (p.Arg531His) results in a non-conservative amino acid change in the encoded protein sequence. Five of five in-silico tools predict a damaging effect of the variant on protein function. The variant allele was found at a frequency of 5.2e-05 in 248936 control chromosomes. This frequency is not significantly higher than expected for a pathogenic variant in GALC causing Krabbe Disease (5.2e-05 vs 0.0022), allowing no conclusion about variant significance. c.1592G>A has been reported in the literature in individuals affected with Krabbe Disease (Fu_1999, Xu_2006, Orsini_2016, Fu_2018). Functional studies show that the variant results in a galactocerebrosidase protein that gets trapped in the endoplasmic reticulum due to misfolding (Spratley_2016). Four clinical diagnostic laboratories have submitted clinical-significance assessments for this variant to ClinVar after 2014 without evidence for independent evaluation. All laboratories classified the variant as pathogenic/likely pathogenic. Based on the evidence outlined above, the variant was classified as pathogenic.

Eurofins Ntd Llc (ga)
Classification: Pathogenic. Last evaluated: 2014-01-23. Review status: criteria provided, single submitter. Criteria: EGL Classification Definitions. Collection method: clinical testing. Allele origin: germline. Observed: 1 variant allele, 1 heterozygote.

Juno Genomics, Hangzhou Juno Genomics, Inc
Classification: Pathogenic for Galactosylceramide beta-galactosidase deficiency. Review status: criteria provided, single submitter. Criteria: ACMG Guidelines, 2015. Collection method: clinical testing. Allele origin: germline.
Comment: Absent from controls (or at extremely low frequency if recessive) in Genome Aggregation Database.;Well-established in vitro or in vivo functional studies supportive of a damaging effect on the gene or gene product.;For recessive disorders, detected in trans with a pathogenic variant.;Patient's phenotype or family history is highly specific for a disease with a single genetic etiology.

Kariminejad - Najmabadi Pathology & Genetics Center
Classification: Pathogenic for Galactosylceramide beta-galactosidase deficiency. Review status: criteria provided, single submitter. Criteria: ACMG Guidelines, 2015. Collection method: clinical testing. Allele origin: germline. Affected: no.

Literature cited by the submitters: PubMed 10234611 (cited by 4 submitters); PubMed 16607461 (cited by 4 submitters); PubMed 26795590 (cited by Labcorp Genetics (formerly Invitae), Labcorp and Women's Health and Genetics/Laboratory Corporation of America, LabCorp); PubMed 28976722 (cited by Labcorp Genetics (formerly Invitae), Labcorp and Women's Health and Genetics/Laboratory Corporation of America, LabCorp); PubMed 27126738 (cited by 3 submitters); PubMed 24252386 (cited by Women's Health and Genetics/Laboratory Corporation of America, LabCorp).

NM_000153.4(GALC):c.1592G>A (p.Arg531His)

Gene: GALC (galactosylceramidase; minus strand). Cytogenetic location: 14q31.3.
Variant type: single nucleotide variant.
Coding change: c.1592G>A on transcript NM_000153.4 (MANE Select); coding-DNA position 1592, G replaced by A.
Protein change: p.Arg531His; replaces arginine 531 with histidine.
Molecular consequence: missense variant.
Genome position (GRCh38, 1-based): chr14:87,945,631, C>T on the plus strand (G>A on the coding strand, the complement: GALC is on the minus strand). VCF-style: chr14-87945631-C-T. GRCh37 (hg19) VCF-style: chr14-88411975-C-T.
Other names: c.1523G>A, p.Arg508His (NM_001201401.2); c.1514G>A, p.Arg505His (NM_001201402.2); short protein forms R531H, R505H, R508H.
Identifiers: ClinVar variation 167119 (VCV000167119.39), dbSNP rs200378205, ClinGen allele CA234058.